The following is an entry in ClinVar:

NM_005343.4(HRAS):c.424A>T (p.Ile142Phe)

Genes: HRAS (HRas proto-oncogene, GTPase; minus strand), LRRC56 (leucine rich repeat containing 56; plus strand). Cytogenetic location: 11p15.5.
Variant type: single nucleotide variant.
Coding change: c.424A>T on transcript NM_005343.4 (MANE Select); coding-DNA position 424, A replaced by T.
Protein change: p.Ile142Phe; replaces isoleucine 142 with phenylalanine.
Molecular consequence: missense variant. On other transcripts: synonymous variant (1).
Genome position (GRCh38, 1-based): chr11:533,479, T>A on the plus strand (A>T on the coding strand, the complement: HRAS is on the minus strand). VCF-style: chr11-533479-T-A. GRCh37 (hg19) VCF-style: chr11-533479-T-A.
Other names: c.424A>T, p.Ile142Phe (NM_001130442.3, NM_176795.5); c.105A>T, p.Thr35= (NM_001318054.2); short protein forms I142F.
Identifiers: ClinVar variation 2416003 (VCV002416003.8), dbSNP rs1564788848, ClinGen allele CA378922871.

ClinVar aggregate classification (germline): Uncertain significance (1 of 4 stars; one submission).

Conditions:
Costello syndrome (CSTLO). Also called: HRAS-Related Costello Syndrome; FACIOCUTANEOSKELETAL SYNDROME; FCS SYNDROME. Identifiers: Orphanet 3071, MedGen C0587248, MONDO:0009026, OMIM 218040.

Submission:

Labcorp Genetics (formerly Invitae), Labcorp
Classification: Uncertain significance for Costello syndrome. Last evaluated: 2024-07-26. Review status: criteria provided, single submitter. Criteria: Invitae Variant Classification Sherloc (09022015). Collection method: clinical testing. Allele origin: germline.
Comment: This sequence change replaces isoleucine, which is neutral and non-polar, with phenylalanine, which is neutral and non-polar, at codon 142 of the HRAS protein (p.Ile142Phe). This variant is not present in population databases (gnomAD no frequency). This variant has not been reported in the literature in individuals affected with HRAS-related conditions. ClinVar contains an entry for this variant (Variation ID: 2416003). Advanced modeling of protein sequence and biophysical properties (such as structural, functional, and spatial information, amino acid conservation, physicochemical variation, residue mobility, and thermodynamic stability) performed at Invitae indicates that this missense variant is not expected to disrupt HRAS protein function with a negative predictive value of 95%. In summary, the available evidence is currently insufficient to determine the role of this variant in disease. Therefore, it has been classified as a Variant of Uncertain Significance.